The following is an entry in ClinVar:

NM_014272.5(ADAMTS7):c.4713G>T (p.Thr1571=)

Gene: ADAMTS7 (ADAM metallopeptidase with thrombospondin type 1 motif 7; minus strand). Cytogenetic location: 15q25.1.
Variant type: single nucleotide variant.
Coding change: c.4713G>T on transcript NM_014272.5 (MANE Select); coding-DNA position 4713, G replaced by T.
Protein change: p.Thr1571=; no amino-acid change (threonine 1571 retained).
Molecular consequence: synonymous variant.
Genome position (GRCh38, 1-based): chr15:78,763,726, C>A on the plus strand (G>T on the coding strand, the complement: ADAMTS7 is on the minus strand). VCF-style: chr15-78763726-C-A. GRCh37 (hg19) VCF-style: chr15-79056068-C-A.
Identifiers: ClinVar variation 2645614 (VCV002645614.24), dbSNP rs188808047, ClinGen allele CA7685390.

ClinVar aggregate classification (germline): Likely benign (1 of 4 stars; one submission).

Allele frequency attached by ClinVar (database versions not stated): 1000 Genomes Project 30x 0.00219; 1000 Genomes Project 0.00220; ESP Exome Variant Server 0.00288; TOPMed 0.00319; gnomAD 0.00690.
gnomAD v4.1: 9,066 of 1,566,394 alleles (0.58%); highest among the groups gnomAD compares: Non-Finnish European, 0.58%; 70 homozygotes.

Submission:

CeGaT Center for Human Genetics Tuebingen
Classification: Likely benign. Last evaluated: 2023-03-01. Review status: criteria provided, single submitter. Criteria: CeGaT Center For Human Genetics Tuebingen Variant Classification Criteria Version 2. Collection method: clinical testing. Allele origin: germline. Affected: yes. Observed: 1 variant allele.
Comment: ADAMTS7: BP4, BP7, BS2